The following is an entry in ClinVar:

NM_182961.4(SYNE1):c.19132C>G (p.His6378Asp)

Gene: SYNE1 (spectrin repeat containing nuclear envelope protein 1; minus strand). Cytogenetic location: 6q25.2.
Variant type: single nucleotide variant.
Coding change: c.19132C>G on transcript NM_182961.4 (MANE Select); coding-DNA position 19132, C replaced by G.
Protein change: p.His6378Asp; replaces histidine 6378 with aspartic acid.
Molecular consequence: missense variant.
Genome position (GRCh38, 1-based): chr6:152,255,719, G>C on the plus strand (C>G on the coding strand, the complement: SYNE1 is on the minus strand). VCF-style: chr6-152255719-G-C. GRCh37 (hg19) VCF-style: chr6-152576854-G-C.
Other names: c.18919C>G, p.His6307Asp (NM_033071.5); short protein forms H6378D, H6307D.
Identifiers: ClinVar variation 959247 (VCV000959247.10), dbSNP rs781479222, ClinGen allele CA4054757.
Genomic context (GRCh38, chr6:152,255,719, plus strand): 5'-CAACGTCATCCAACCAAGTAGAGGTGGCTGAGACTCCATCATACAACTTCTGCTCCAAGT[G>C]TATACTCTGCCTCTTTGCCCCTCCACTCTGGGAAACACAAAACAGGGTCAAATAATCAAT-3'
Protein context (NP_892006.3, residues 6368-6388): QSGGAKRQSI[His6378Asp]LEQKLYDGVS

ClinVar aggregate classification (germline): Uncertain significance (1 of 4 stars; one submission).

Conditions:
Autosomal recessive ataxia, Beauce type. Also called: Spinocerebellar ataxia, autosomal recessive 8; ATAXIA, RECESSIVE, OF BEAUCE; SYNE1-Related Autosomal Recessive Cerebellar Ataxia; SYNE1 Deficiency. Identifiers: Orphanet 88644, MedGen C1853116, MONDO:0012549, OMIM 610743.
Emery-Dreifuss muscular dystrophy 4, autosomal dominant (EDMD4). Also called: EMERY-DREIFUSS MUSCULAR DYSTROPHY 4 WITH VARIABLE FEATURES. Identifiers: Orphanet 261, MedGen C2751807, MONDO:0013071, OMIM 612998.

Allele frequency attached by ClinVar (database versions not stated): ExAC 0.00002.
gnomAD v4.1: 3 of 1,614,162 alleles (0.00019%); highest among the groups gnomAD compares: Admixed American, 0.005%; no homozygotes.

Submission:

Labcorp Genetics (formerly Invitae), Labcorp
Classification: Uncertain significance for Emery-Dreifuss muscular dystrophy 4, autosomal dominant; Autosomal recessive ataxia, Beauce type. Last evaluated: 2024-01-22. Review status: criteria provided, single submitter. Criteria: Invitae Variant Classification Sherloc (09022015). Collection method: clinical testing. Allele origin: germline.
Comment: This sequence change replaces histidine, which is basic and polar, with aspartic acid, which is acidic and polar, at codon 6307 of the SYNE1 protein (p.His6307Asp). This variant is present in population databases (rs781479222, gnomAD 0.006%). This variant has not been reported in the literature in individuals affected with SYNE1-related conditions. ClinVar contains an entry for this variant (Variation ID: 959247). Algorithms developed to predict the effect of missense changes on protein structure and function output the following: SIFT: "Not Available"; PolyPhen-2: "Benign"; Align-GVGD: "Not Available". The aspartic acid amino acid residue is found in multiple mammalian species, which suggests that this missense change does not adversely affect protein function. In summary, the available evidence is currently insufficient to determine the role of this variant in disease. Therefore, it has been classified as a Variant of Uncertain Significance.